The following is an entry in ClinVar:

ClinVar aggregate classification (germline): Uncertain significance (1 of 4 stars; one submission).

Allele frequency attached by ClinVar (database versions not stated): TOPMed below 0.00001; gnomAD 0.00001.
gnomAD v4.1: 13 of 1,613,910 alleles (0.00081%); highest among the groups gnomAD compares: African/African-American, 0.0013%; no homozygotes.

Submission:

Labcorp Genetics (formerly Invitae), Labcorp
Classification: Uncertain significance. Last evaluated: 2023-02-27. Review status: criteria provided, single submitter. Criteria: Invitae Variant Classification Sherloc (09022015). Collection method: clinical testing. Allele origin: germline.
Comment: In summary, the available evidence is currently insufficient to determine the role of this variant in disease. Therefore, it has been classified as a Variant of Uncertain Significance. An algorithm developed to predict the effect of missense changes on protein structure and function (PolyPhen-2) suggests that this variant is likely to be disruptive. This variant has not been reported in the literature in individuals affected with RP1-related conditions. This variant is not present in population databases (gnomAD no frequency). This sequence change replaces glutamine, which is neutral and polar, with arginine, which is basic and polar, at codon 1429 of the RP1 protein (p.Gln1429Arg).

NM_006269.2(RP1):c.4286A>G (p.Gln1429Arg)

Gene: RP1 (RP1 axonemal microtubule associated; plus strand). Cytogenetic location: 8q12.1.
Variant type: single nucleotide variant.
Coding change: c.4286A>G on transcript NM_006269.2 (MANE Select); coding-DNA position 4286, A replaced by G.
Protein change: p.Gln1429Arg; replaces glutamine 1429 with arginine.
Molecular consequence: missense variant. On other transcripts: intron variant (1).
Genome position (GRCh38, 1-based): chr8:54,628,168, A>G. VCF-style: chr8-54628168-A-G. GRCh37 (hg19) VCF-style: chr8-55540728-A-G.
Other names: c.787+5880A>G (NM_001375654.1); short protein forms Q1429R.
Identifiers: ClinVar variation 2838245 (VCV002838245.3), dbSNP rs769946384, ClinGen allele CA177181644.